The following is an entry in ClinVar:

NM_002016.2(FLG):c.5839_5840inv (p.Trp1947Gln)

Genes: CCDST (cervical cancer associated DHX9 suppressive transcript; plus strand), FLG (filaggrin; minus strand). Cytogenetic location: 1q21.3.
Variant type: Inversion.
Coding change: c.5839_5840inv on transcript NM_002016.2 (MANE Select).
Protein change: p.Trp1947Gln; replaces tryptophan 1947 with glutamine.
Molecular consequence: missense variant.
Genome position: GRCh38 VCF-style: chr1-152309046-CA-TG. GRCh37 (hg19) VCF-style: chr1-152281522-CA-TG.
Other names: short protein forms W1947Q.
Identifiers: ClinVar variation 1318418 (VCV001318418.7), ClinGen allele CA2573051367.

ClinVar aggregate classification (germline): Uncertain significance (1 of 4 stars; one submission).

Submission:

GeneDx
Classification: Uncertain significance. Last evaluated: 2025-11-06. Review status: criteria provided, single submitter. Criteria: GeneDx Variant Classification Process June 2021. Collection method: clinical testing. Allele origin: germline. Affected: yes.
Comment: In silico analysis suggests that this variant does not alter protein structure/function; Has not been previously published as pathogenic or benign to our knowledge